The following is an entry in ClinVar:

NM_000138.5(FBN1):c.3144del (p.Ile1048fs)

Gene: FBN1 (fibrillin 1; minus strand). Cytogenetic location: 15q21.1.
Variant type: Deletion.
Coding change: c.3144del on transcript NM_000138.5 (MANE Select); coding-DNA position 3144, one base deleted (T; older notation c.3144delT).
Protein change: p.Ile1048fs; shifts the reading frame from isoleucine 1048.
Molecular consequence: frameshift variant.
Genome position (GRCh38, 1-based): chr15:48,488,432, A deleted on the plus strand (T on the coding strand, the reverse complement: FBN1 is on the minus strand); the first of 2 consecutive A bases (chr15:48,488,432-48,488,433); deleting either gives the same sequence. VCF-style (leftmost placement, unchanged base first): chr15-48488431-CA-C. GRCh37 (hg19) VCF-style: chr15-48780628-CA-C.
Other names: short protein forms I1048fs.
Identifiers: ClinVar variation 549132 (VCV000549132.26), dbSNP rs1555398672, ClinGen allele CA618009317.

ClinVar aggregate classification (germline): Pathogenic. Review status: criteria provided, multiple submitters, no conflicts (2 of 4 stars). 3 submissions from 3 submitters: Pathogenic (2). 1 of the submissions does not count toward it. Last evaluated 2025-08-24.

Conditions:
Familial thoracic aortic aneurysm and aortic dissection (TAAD). Also called: Thoracic aortic aneurysms and dissections. Identifiers: Orphanet 91387, MedGen C4707243, MONDO:0019625.
Marfan syndrome (MFS). Also called: Marfan syndrome type 1; Marfan syndrome, classic; Marfan's syndrome; FBN1-Related Marfan Syndrome; MARFAN SYNDROME, TYPE I. Identifiers: Orphanet 284963, Orphanet 558, MedGen C0024796, MONDO:0007947, OMIM 154700.

Submissions (3):

Labcorp Genetics (formerly Invitae), Labcorp
Classification: Pathogenic for Marfan syndrome; Familial thoracic aortic aneurysm and aortic dissection. Last evaluated: 2025-08-24. Review status: criteria provided, single submitter. Criteria: Invitae Variant Classification Sherloc (09022015). Collection method: clinical testing. Allele origin: germline.
Comment: This sequence change creates a premature translational stop signal (p.Ile1048Metfs*40) in the FBN1 gene. It is expected to result in an absent or disrupted protein product. Loss-of-function variants in FBN1 are known to be pathogenic (PMID: 17657824, 19293843). The frequency data for this variant in the population databases is considered unreliable, as metrics indicate poor data quality at this position in the gnomAD database. This premature translational stop signal has been observed in individual(s) with Marfan syndrome (PMID: 21542060). ClinVar contains an entry for this variant (Variation ID: 549132). For these reasons, this variant has been classified as Pathogenic.

Centre of Medical Genetics, University of Antwerp
Classification: Pathogenic for Marfan syndrome. Last evaluated: 2021-03-01. Review status: criteria provided, single submitter. Criteria: Submitter's publication. Collection method: research. Allele origin: unknown. Affected: yes. Observed: 2 variant alleles.
Comment: PM2, PVS1, PP1, PP4

Center for Medical Genetics Ghent, University of Ghent
Classification: Likely pathogenic for Marfan syndrome. Last evaluated: 2017-11-07. Review status: no assertion criteria provided. Collection method: clinical testing. Allele origin: germline. Affected: yes. Not counted in ClinVar's aggregate classification.

Literature cited by the submitters: PubMed 17657824 (cited by Labcorp Genetics (formerly Invitae), Labcorp); PubMed 19293843 (cited by Labcorp Genetics (formerly Invitae), Labcorp); PubMed 21542060 (cited by Labcorp Genetics (formerly Invitae), Labcorp).